The following is an entry in ClinVar:

NM_001370259.2(MEN1):c.1142_1143del (p.Ser381fs)

Gene: MEN1 (menin 1; minus strand). Cytogenetic location: 11q13.1.
Variant type: Deletion.
Coding change: c.1142_1143del on transcript NM_001370259.2 (MANE Select); coding-DNA positions 1142 to 1143, 2 bases deleted (GC; older notation c.1142_1143delGC).
Protein change: p.Ser381fs; shifts the reading frame from serine 381.
Molecular consequence: frameshift variant. On other transcripts: non-coding transcript variant (4).
Genome position (GRCh38, 1-based): chr11:64,805,677-64,805,678, GC deleted on the plus strand (GC on the coding strand, the reverse complement: MEN1 is on the minus strand). VCF-style (leftmost placement, unchanged base first): chr11-64805676-AGC-A. GRCh37 (hg19) VCF-style: chr11-64573148-AGC-A.
Other names: c.1157_1158del, p.Ser386fs (NM_000244.4, NM_001407145.1, NM_130800.3 and 4 more transcripts); c.1268_1269del, p.Ser423fs (NM_001407142.1, NM_001407143.1, NM_001407144.1 and 1 more transcripts); c.1142_1143del, p.Ser381fs (NM_001407146.1, NM_001407147.1, NM_001370260.2 and 3 more transcripts); c.1037_1038del, p.Ser346fs (NM_001407148.1, NM_001407149.1, NM_001370262.2 and 1 more transcripts); c.1283_1284del, p.Ser428fs (NM_001407150.1); c.1163_1164del, p.Ser388fs (NM_001407151.1); short protein forms S388fs, S428fs, S346fs, S381fs, S423fs, S386fs.
Identifiers: ClinVar variation 3294214 (VCV003294214.1).

ClinVar aggregate classification (germline): Pathogenic (1 of 4 stars; one submission).

Conditions:
Hereditary cancer-predisposing syndrome. Also called: Tumor predisposition; Hereditary Cancer Syndrome; Hereditary neoplastic syndrome; Neoplastic Syndromes, Hereditary. Identifiers: Orphanet 140162, MedGen C0027672, MeSH D009386, MONDO:0015356.

Submission:

Ambry Genetics
Classification: Pathogenic for Hereditary cancer-predisposing syndrome. Last evaluated: 2024-05-22. Review status: criteria provided, single submitter. Criteria: Ambry Variant Classification Scheme 2023. Collection method: clinical testing. Allele origin: germline.
Comment: The c.1142_1143delGC pathogenic mutation, located in coding exon 7 of the MEN1 gene, results from a deletion of two nucleotides at nucleotide positions 1142 to 1143, causing a translational frameshift with a predicted alternate stop codon (p.S381Ifs*27). This variant is considered to be rare based on population cohorts in the Genome Aggregation Database (gnomAD). This alteration is expected to result in loss of function by premature protein truncation or nonsense-mediated mRNA decay. As such, this alteration is interpreted as a disease-causing mutation.